The following is an entry in ClinVar:

ClinVar aggregate classification (germline): Pathogenic. Review status: reviewed by expert panel (3 of 4 stars). 3 submissions from 3 submitters: Pathogenic (1). 2 of the submissions do not count toward it. Last evaluated 2024-12-12.

Conditions:
Creatine transporter deficiency (CCDS1). Also called: SLC6A8-Related Creatine Transporter Deficiency; Creatine Transporter (CRTR) Deficiency; CREATINE TRANSPORTER DEFECT; CEREBRAL CREATINE DEFICIENCY SYNDROME 1; Mental retardation , X-linked with seizures, short stature and midface hypoplasia; Mental retardation , X-linked, with creatine transport deficiency. Identifiers: Orphanet 52503, MedGen C1845862, MONDO:0010305, OMIM 300352.

Submissions (3):

ClinGen Cerebral Creatine Deficiency Syndromes Variant Curation Expert Panel, ClinGen
Classification: Pathogenic for Creatine transporter deficiency. Last evaluated: 2024-12-12. Review status: reviewed by expert panel. Criteria: ClinGen_CCDS_ACMG_Specifications_SLC6A8_v1.1. Collection method: curation. Allele origin: germline. Inheritance: X-linked inheritance.
Comment: The NM_005629.4:c.263-2A>G variant in SLC6A8 occurs within the canonical splice acceptor site of intron 1. RT-PCR revealed skipping of the first 21 amino acids of exon 2 (r.263_328del; p.Gly88_Glu109) (PMID: 16086185). While this is <10% of the protein length, the region includes Phe107. The variant p.Phe107del is pathogenic based on classification by the ClinGen CCDS VCEP (ClinVar Variation ID: 21448, SCV002600174.1) indicating that Phe107 is an important residue for creatine transporter function. Therefore, PVS1 will be applied at strong rather than moderate (PVS1_Strong). Another variant at the same acceptor splice site dinucleotide, c.263-1G>C has been reported in an affected individual and has a similar impact on splicing as shown by RT-PCR (PMID: 20717164). PS1 will be applied to c.263-1G>C based on the classification of the current variant under assessment (c.263-2A>G); PS1 is, therefore, not applied here to avoid circularity. The variant is absent in gnomAD v2.1.1. and v4.1.0. (PM2_Supporting). Another variant at the same acceptor splice site dinucleotide, c.263-1G>C has been reported in an affected individual and has a similar impact on splicing as shown by RT-PCR (PMID: 20717164), There is a ClinVar entry for this variant (Variation ID: 11701). In summary, this variant meets the criteria to be classified as pathogenic for X-linked creatine transporter deficiency. SLC6A8-specific ACMG/AMP criteria applied, as specified by the ClinGen Cerebral Creatine Deficiency Syndromes Variant Curation Expert Panel (Specifications Version 1.2.0): PVS1_Strong, PP4_Strong, PM2_Supporting. (Classification approved by the ClinGen Cerebral Creatine Deficiency Syndromes Variant Curation Expert Panel on December 12, 2024)

Labcorp Genetics (formerly Invitae), Labcorp
Classification: Pathogenic for Creatine transporter deficiency. Last evaluated: 2022-09-14. Review status: criteria provided, single submitter. Criteria: Invitae Variant Classification Sherloc (09022015). Collection method: clinical testing. Allele origin: germline. Not counted in ClinVar's aggregate classification.
Comment: Studies have shown that disruption of this splice site results in the activation of a cryptic splice site in exon 2 (PMID: 16086185, 20717164). For these reasons, this variant has been classified as Pathogenic. This variant disrupts a region of the SLC6A8 protein in which other variant(s) (p.Phe107del) have been determined to be pathogenic (PMID: 12536364, 12889669, 15154114, 25590979). This suggests that this is a clinically significant region of the protein, and that variants that disrupt it are likely to be disease-causing. ClinVar contains an entry for this variant (Variation ID: 11701). Disruption of this splice site has been observed in individual(s) with creatine transporter deficiency (PMID: 16086185). This variant is not present in population databases (gnomAD no frequency). This sequence change affects an acceptor splice site in intron 1 of the SLC6A8 gene. RNA analysis indicates that disruption of this splice site induces altered splicing and likely results in the loss of 21 amino acid residue(s), but is expected to preserve the integrity of the reading-frame.

OMIM
Classification: Pathogenic for CEREBRAL CREATINE DEFICIENCY SYNDROME 1. Last evaluated: 2005-09-01. Review status: no assertion criteria provided. Collection method: literature only. Allele origin: germline. Not counted in ClinVar's aggregate classification.

Literature cited by the submitters: PubMed 16086185 (cited by Labcorp Genetics (formerly Invitae), Labcorp and OMIM); PubMed 20717164 (cited by Labcorp Genetics (formerly Invitae), Labcorp); PubMed 12536364 (cited by Labcorp Genetics (formerly Invitae), Labcorp); PubMed 12889669 (cited by Labcorp Genetics (formerly Invitae), Labcorp); PubMed 15154114 (cited by Labcorp Genetics (formerly Invitae), Labcorp); PubMed 25590979 (cited by Labcorp Genetics (formerly Invitae), Labcorp).

NM_005629.4(SLC6A8):c.263-2A>G

Gene: SLC6A8 (solute carrier family 6 member 8; plus strand). Cytogenetic location: Xq28.
Variant type: single nucleotide variant.
Coding change: c.263-2A>G on transcript NM_005629.4 (MANE Select); the canonical splice acceptor site of the intron before coding-DNA position 263, A replaced by G.
Molecular consequence: splice acceptor variant.
Genome position (GRCh38, 1-based): chrX:153,690,373, A>G. VCF-style: chrX-153690373-A-G. GRCh37 (hg19) VCF-style: chrX-152955828-A-G.
Other names: IVS1AS, A-G, -2; c.263-2A>G (NM_001142805.2); c.-83-2A>G (NM_001142806.1).
Identifiers: ClinVar variation 11701 (VCV000011701.8), dbSNP rs1569539244, ClinGen allele CA415077240.